The following is an entry in ClinVar:

NM_001009944.3(PKD1):c.2563G>A (p.Ala855Thr)

Gene: PKD1 (polycystin 1, transient receptor potential channel interacting; minus strand). Cytogenetic location: 16p13.3.
Variant type: single nucleotide variant.
Coding change: c.2563G>A on transcript NM_001009944.3 (MANE Select); coding-DNA position 2563, G replaced by A.
Protein change: p.Ala855Thr; replaces alanine 855 with threonine.
Molecular consequence: missense variant.
Genome position (GRCh38, 1-based): chr16:2,114,460, C>T on the plus strand (G>A on the coding strand, the complement: PKD1 is on the minus strand). VCF-style: chr16-2114460-C-T. GRCh37 (hg19) VCF-style: chr16-2164461-C-T.
Other names: c.2563G>A, p.Ala855Thr (NM_000296.4); short protein forms A855T.
Identifiers: ClinVar variation 3579673 (VCV003579673.2).

ClinVar aggregate classification (germline): Uncertain significance. Review status: criteria provided, multiple submitters, no conflicts (2 of 4 stars). 2 submissions from 2 submitters: Uncertain significance (2). Last evaluated 2024-01-04.

Conditions:
Polycystic kidney disease, adult type (PKD1). Also called: Polycystic Kidney Disease 1, Autosomal Dominant; Polycystic kidney disease 1; Polycystic kidney disease 1, severe; Polycystic Kidney, Autosomal Dominant; POLYCYSTIC KIDNEY DISEASE, ADULT, TYPE I; POLYCYSTIC KIDNEY DISEASE 1 WITH OR WITHOUT POLYCYSTIC LIVER DISEASE. Identifiers: MedGen C3149841, MONDO:0008263, OMIM 173900.

gnomAD v4.1: 9 of 1,597,592 alleles (0.00056%); highest among the groups gnomAD compares: Non-Finnish European, 0.00076%; no homozygotes.

Submissions (2):

Fulgent Genetics
Classification: Uncertain significance for Polycystic kidney disease, adult type. Last evaluated: 2024-01-04. Review status: criteria provided, single submitter. Criteria: ACMG Guidelines, 2015. Collection method: clinical testing. Allele origin: germline.

Laboratorio de Genetica e Diagnostico Molecular, Hospital Israelita Albert Einstein
Classification: Uncertain significance for Polycystic kidney disease, adult type. Last evaluated: 2022-08-05. Review status: criteria provided, single submitter. Criteria: ACMG Guidelines, 2015. Collection method: clinical testing. Allele origin: germline. Affected: yes.
Comment: ACMG classification criteria: PM2 moderate, BP4 supporting